The following is an entry in ClinVar:

ClinVar aggregate classification (germline): Benign (1 of 4 stars; one submission).

Conditions:
Oligodontia-cancer predisposition syndrome. Also called: TOOTH AGENESIS-COLORECTAL CANCER SYNDROME. Identifiers: Orphanet 300576, MedGen C1837750, MONDO:0012075, OMIM 608615. Disease mechanism: loss of function.

Submission:

Myriad Genetics, Inc.
Classification: Benign for Oligodontia-cancer predisposition syndrome. Last evaluated: 2024-07-08. Review status: criteria provided, single submitter. Criteria: Myriad Autosomal Dominant, Autosomal Recessive and X-Linked Classification Criteria (2023). Collection method: clinical testing. Allele origin: unknown.
Comment: This variant is considered benign. This variant is a silent/synonymous amino acid change and it is not expected to impact splicing.

NM_004655.4(AXIN2):c.1737C>G (p.Pro579=)

Gene: AXIN2 (axin 2; minus strand). Cytogenetic location: 17q24.1.
Variant type: single nucleotide variant.
Coding change: c.1737C>G on transcript NM_004655.4 (MANE Select); coding-DNA position 1737, C replaced by G.
Protein change: p.Pro579=; no amino-acid change (proline 579 retained).
Molecular consequence: synonymous variant. On other transcripts: intron variant (1).
Genome position (GRCh38, 1-based): chr17:65,537,039, G>C on the plus strand (C>G on the coding strand, the complement: AXIN2 is on the minus strand). VCF-style: chr17-65537039-G-C. GRCh37 (hg19) VCF-style: chr17-63533157-G-C.
Other names: c.1712+285C>G (NM_001363813.1).
Identifiers: ClinVar variation 3378950 (VCV003378950.1).
Genomic context (GRCh38, chr17:65,537,039, plus strand): 5'-GGCCCCTCCTTCCCTGGCGGGCAGGGCCAGGCCCGGCTCCGTGCCTTTCCCATTGCGTTT[G>C]GGCAAGGTACTGCCTCTGCTGCCGCTGTGGGGAACCAAGAACCACACCCAACCCAGAGAC-3'
Protein context (NP_004646.3, residues 569-589): QFGGSRGSTL[Pro579=]KRNGKGTEPG